The following is an entry in ClinVar:

ClinVar aggregate classification (germline): Uncertain significance (1 of 4 stars; one submission).

Allele frequency attached by ClinVar (database versions not stated): TOPMed below 0.00001.
gnomAD v4.1: 2 of 1,527,624 alleles (0.00013%); highest among the groups gnomAD compares: Admixed American, 0.0019%; no homozygotes.

Submission:

Labcorp Genetics (formerly Invitae), Labcorp
Classification: Uncertain significance. Last evaluated: 2022-06-05. Review status: criteria provided, single submitter. Criteria: Invitae Variant Classification Sherloc (09022015). Collection method: clinical testing. Allele origin: germline.
Comment: In summary, the available evidence is currently insufficient to determine the role of this variant in disease. Therefore, it has been classified as a Variant of Uncertain Significance. Algorithms developed to predict the effect of missense changes on protein structure and function (SIFT, PolyPhen-2, Align-GVGD) all suggest that this variant is likely to be tolerated. This variant has not been reported in the literature in individuals affected with PCGF2-related conditions. This variant is present in population databases (no rsID available, gnomAD 0.004%). This sequence change replaces serine, which is neutral and polar, with cysteine, which is neutral and slightly polar, at codon 317 of the PCGF2 protein (p.Ser317Cys).

NM_007144.3(PCGF2):c.949A>T (p.Ser317Cys)

Genes: CISD3 (CDGSH iron sulfur domain 3; plus strand), PCGF2 (polycomb group ring finger 2; minus strand). Cytogenetic location: 17q12.
Variant type: single nucleotide variant.
Coding change: c.949A>T on transcript NM_007144.3 (MANE Select); coding-DNA position 949, A replaced by T.
Protein change: p.Ser317Cys; replaces serine 317 with cysteine.
Molecular consequence: missense variant. On other transcripts: 3 prime UTR variant (1).
Genome position (GRCh38, 1-based): chr17:38,735,309, T>A on the plus strand (A>T on the coding strand, the complement: PCGF2 is on the minus strand). VCF-style: chr17-38735309-T-A. GRCh37 (hg19) VCF-style: chr17-36891562-T-A.
Other names: c.*1854T>A (NM_001136498.2); c.949A>T, p.Ser317Cys (NM_001369614.1, NM_001369615.1); short protein forms S317C.
Identifiers: ClinVar variation 1924870 (VCV001924870.5), dbSNP rs1298823443, ClinGen allele CA398819592.
Genomic context (GRCh38, chr17:38,735,309, plus strand): 5'-CGTTGACAGTCATCTTGCGCCCCCTGCTGGTGGAGGATGGTGTCTGCAGGCAGTTCAAGC[T>A]ACCCCCGTTGGCAGCTGTGGTGGCCCCACTGGCTGTCGAAGGGGGAGTGGGGGAGGTAGG-3'
Protein context (NP_009075.1, residues 307-327): SGATTAANGG[Ser317Cys]LNCLQTPSST